The following is an entry in ClinVar:

ClinVar aggregate classification (germline): Uncertain significance (1 of 4 stars; one submission).

Allele frequency attached by ClinVar (database versions not stated): gnomAD exomes below 0.00001; ExAC 0.00001; gnomAD 0.00001; TOPMed 0.00001.
gnomAD v4.1: 5 of 1,613,152 alleles (0.00031%); highest among the groups gnomAD compares: Admixed American, 0.0067%; no homozygotes.

Submission:

Labcorp Genetics (formerly Invitae), Labcorp
Classification: Uncertain significance. Last evaluated: 2022-07-30. Review status: criteria provided, single submitter. Criteria: Invitae Variant Classification Sherloc (09022015). Collection method: clinical testing. Allele origin: germline.
Comment: This sequence change replaces leucine, which is neutral and non-polar, with phenylalanine, which is neutral and non-polar, at codon 761 of the TTC37 protein (p.Leu761Phe). This variant is present in population databases (rs754182922, gnomAD 0.009%). This variant has not been reported in the literature in individuals affected with TTC37-related conditions. Algorithms developed to predict the effect of missense changes on protein structure and function output the following: SIFT: "Deleterious"; PolyPhen-2: "Benign"; Align-GVGD: "Class C0". The phenylalanine amino acid residue is found in multiple mammalian species, which suggests that this missense change does not adversely affect protein function. In summary, the available evidence is currently insufficient to determine the role of this variant in disease. Therefore, it has been classified as a Variant of Uncertain Significance.

NM_014639.4(SKIC3):c.2281C>T (p.Leu761Phe)

Gene: SKIC3 (SKI3 subunit of superkiller complex; minus strand). Cytogenetic location: 5q15.
Variant type: single nucleotide variant.
Coding change: c.2281C>T on transcript NM_014639.4 (MANE Select); coding-DNA position 2281, C replaced by T.
Protein change: p.Leu761Phe; replaces leucine 761 with phenylalanine.
Molecular consequence: missense variant.
Genome position (GRCh38, 1-based): chr5:95,517,156, G>A on the plus strand (C>T on the coding strand, the complement: SKIC3 is on the minus strand). VCF-style: chr5-95517156-G-A. GRCh37 (hg19) VCF-style: chr5-94852860-G-A.
Other names: short protein forms L761F.
Identifiers: ClinVar variation 2180009 (VCV002180009.1), dbSNP rs754182922, ClinGen allele CA3347126.